The following is an entry in ClinVar:

NM_001004334.4(GPR179):c.1005del (p.Ser335fs)

Gene: GPR179 (G protein-coupled receptor 179; minus strand). Cytogenetic location: 17q12.
Variant type: Deletion.
Coding change: c.1005del on transcript NM_001004334.4 (MANE Select); coding-DNA position 1005, one base deleted (T; older notation c.1005delT).
Protein change: p.Ser335fs; shifts the reading frame from serine 335.
Molecular consequence: frameshift variant.
Genome position (GRCh38, 1-based): chr17:38,337,200, A deleted on the plus strand (T on the coding strand, the reverse complement: GPR179 is on the minus strand). VCF-style (leftmost placement, unchanged base first): chr17-38337199-CA-C. GRCh37 (hg19) VCF-style: chr17-36493082-CA-C.
Other names: short protein forms S335fs.
Identifiers: ClinVar variation 2815606 (VCV002815606.3), dbSNP rs2512170410, ClinGen allele CA2739267530.
Genomic context (GRCh38, chr17:38,337,199, plus strand): 5'-ACTGCAGCAGTCTCCCAGATCTGCCTTCTGGGAACCCGAATTGCCCGGTAGTCTGGAAGT[CA>C]CTCTCCTCTAACCCTATAAAGAACAAGATGAGTGCAGGGAGAGGGGCCCAGCTAGAGCAT-3'

ClinVar aggregate classification (germline): Pathogenic (1 of 4 stars; one submission).

Submission:

Labcorp Genetics (formerly Invitae), Labcorp
Classification: Pathogenic. Last evaluated: 2022-11-23. Review status: criteria provided, single submitter. Criteria: Invitae Variant Classification Sherloc (09022015). Collection method: clinical testing. Allele origin: germline.
Comment: This sequence change creates a premature translational stop signal (p.Ser335Argfs*63) in the GPR179 gene. It is expected to result in an absent or disrupted protein product. Loss-of-function variants in GPR179 are known to be pathogenic (PMID: 22325361, 22325362). This variant is not present in population databases (gnomAD no frequency). This variant has not been reported in the literature in individuals affected with GPR179-related conditions. For these reasons, this variant has been classified as Pathogenic.

Literature cited by the submitters: PubMed 22325361; PubMed 22325362.